The following is an entry in ClinVar:

NM_213599.3(ANO5):c.986T>G (p.Leu329Ter)

Gene: ANO5 (anoctamin 5; plus strand). Cytogenetic location: 11p14.3.
Variant type: single nucleotide variant.
Coding change: c.986T>G on transcript NM_213599.3 (MANE Select); coding-DNA position 986, T replaced by G.
Protein change: p.Leu329Ter; replaces leucine 329 with a stop codon.
Molecular consequence: nonsense.
Genome position (GRCh38, 1-based): chr11:22,250,344, T>G. VCF-style: chr11-22250344-T-G. GRCh37 (hg19) VCF-style: chr11-22271890-T-G.
Other names: c.983T>G, p.Leu328Ter (NM_001142649.2); c.944T>G, p.Leu315Ter (NM_001410963.1); c.941T>G, p.Leu314Ter (NM_001410964.1); short protein forms L314*, L315*, L328*, L329*.
Identifiers: ClinVar variation 3338962 (VCV003338962.1).
Genomic context (GRCh38, chr11:22,250,344, plus strand): 5'-TTTACACAGAAATGCTATTCTTTGCAGCTGTAGTTGGCTTAGCTTGTTTTATTTATGGCT[T>G]ATTATCAATGGAACATAACACAAGCAGGTAAGTGCACCTGAGTTGCCCAGATAGAGAAAA-3'

ClinVar aggregate classification (germline): Pathogenic (1 of 4 stars; one submission).

Conditions:
Autosomal recessive limb-girdle muscular dystrophy. Identifiers: Orphanet 102015, MedGen C2931907, MONDO:0015152.

gnomAD v4.1: 3 of 1,613,566 alleles (0.00019%); highest among the groups gnomAD compares: Middle Eastern, 0.033%; no homozygotes.

Submission:

Women's Health and Genetics/Laboratory Corporation of America, LabCorp
Classification: Pathogenic for Autosomal recessive limb-girdle muscular dystrophy. Last evaluated: 2024-07-10. Review status: criteria provided, single submitter. Criteria: LabCorp Variant Classification Summary - May 2015. Collection method: clinical testing. Allele origin: germline.
Comment: Variant summary: ANO5 c.986T>G (p.Leu329X) results in a premature termination codon, predicted to cause a truncation of the encoded protein or absence of the protein due to nonsense mediated decay, which are commonly known mechanisms for disease. The variant allele was found at a frequency of 8e-06 in 250742 control chromosomes. To our knowledge, no occurrence of c.986T>G in individuals affected with Limb-Girdle Muscular Dystrophy, Autosomal Recessive and no experimental evidence demonstrating its impact on protein function have been reported. No submitters have cited clinical-significance assessments for this variant to ClinVar. Based on the evidence outlined above, the variant was classified as pathogenic.